The following is an entry in ClinVar:

NM_031935.3(HMCN1):c.12230-7A>C

Gene: HMCN1 (hemicentin 1; plus strand). Cytogenetic location: 1q31.1.
Variant type: single nucleotide variant.
Coding change: c.12230-7A>C on transcript NM_031935.3 (MANE Select); 7 bases into the intron before coding-DNA position 12230, A replaced by C.
Molecular consequence: intron variant.
Genome position (GRCh38, 1-based): chr1:186,122,944, A>C. VCF-style: chr1-186122944-A-C. GRCh37 (hg19) VCF-style: chr1-186092076-A-C.
Identifiers: ClinVar variation 294246 (VCV000294246.14), dbSNP rs2057388, ClinGen allele CA1294307.

ClinVar aggregate classification (germline): Benign. Review status: criteria provided, multiple submitters, no conflicts (2 of 4 stars). 4 submissions from 4 submitters: Benign (4). Last evaluated 2026-02-03.

Conditions:
Age related macular degeneration 1 (ARMD1). Also called: MACULOPATHY, AGE-RELATED, 1. Identifiers: MedGen C1864205, MONDO:0011285, OMIM 603075.

Allele frequency attached by ClinVar (database versions not stated): gnomAD 0.52314 and 0.52362; 1000 Genomes Project 30x 0.60946; ESP Exome Variant Server 0.50915; TOPMed 0.54422; 1000 Genomes Project 0.59944.
gnomAD v4.1: 657,127 of 1,612,260 alleles (41%); highest among the groups gnomAD compares: African/African-American, 82%; 145,142 homozygotes.

Submissions (4):

Labcorp Genetics (formerly Invitae), Labcorp
Classification: Benign. Last evaluated: 2026-02-03. Review status: criteria provided, single submitter. Criteria: Invitae Variant Classification Sherloc (09022015). Collection method: clinical testing. Allele origin: germline.

Genome-Nilou Lab
Classification: Benign for Age related macular degeneration 1. Last evaluated: 2023-04-11. Review status: criteria provided, single submitter. Criteria: ACMG Guidelines, 2015. Collection method: clinical testing. Allele origin: germline. Affected: no.

Illumina Laboratory Services, Illumina
Classification: Benign for Age related macular degeneration 1. Last evaluated: 2018-01-13. Review status: criteria provided, single submitter. Criteria: ICSL Variant Classification Criteria 13 December 2019. Collection method: clinical testing. Allele origin: germline.
Comment: This variant was observed in the ICSL laboratory as part of a predisposition screen in an ostensibly healthy population. It had not been previously curated by ICSL or reported in the Human Gene Mutation Database (HGMD: prior to June 1st, 2018), and was therefore a candidate for classification through an automated scoring system. Utilizing variant allele frequency, disease prevalence and penetrance estimates, and inheritance mode, an automated score was calculated to assess if this variant is too frequent to cause the disease. Based on the score and internal cut-off values, a variant classified as benign is not then subjected to further curation. The score for this variant resulted in a classification of benign for this disease.

Breakthrough Genomics
Classification: Benign. Review status: criteria provided, single submitter. Criteria: ACMG Guidelines, 2015. Collection method: not provided. Allele origin: germline. Inheritance: Autosomal dominant inheritance. Affected: yes.